The following is an entry in ClinVar:

ClinVar aggregate classification (germline): Uncertain significance (1 of 4 stars; one submission).

Conditions:
Thrombocytopenia. Identifiers: MedGen C0040034, MeSH D013921, MONDO:0002049, HP:0001873.

Submission:

ISTH-SSC Genomics in Thrombosis and Hemostasis, KU Leuven, Center for Molecular and Vascular Biology
Classification: Uncertain significance for Thrombocytopenia. Review status: criteria provided, single submitter. Criteria: ACMG Guidelines, 2015. Collection method: clinical testing. Allele origin: germline. Affected: yes. Observed: 1 heterozygote.
Comment: Submitted to GoldVariant by Jose María Bastida and José Rivera; Grupo Español de Alteraciones Plaquetarias Congénitas (GEAPC)

NM_001101.5(ACTB):c.458T>G (p.Met153Arg)

Gene: ACTB (actin beta; minus strand). Cytogenetic location: 7p22.1.
Variant type: single nucleotide variant.
Coding change: c.458T>G on transcript NM_001101.5 (MANE Select); coding-DNA position 458, T replaced by G.
Protein change: p.Met153Arg; replaces methionine 153 with arginine.
Molecular consequence: missense variant.
Genome position (GRCh38, 1-based): chr7:5,528,625, A>C on the plus strand (T>G on the coding strand, the complement: ACTB is on the minus strand). VCF-style: chr7-5528625-A-C. GRCh37 (hg19) VCF-style: chr7-5568256-A-C.
Other names: short protein forms M153R.
Identifiers: ClinVar variation 1703850 (VCV001703850.2), dbSNP rs2533847856, ClinGen allele CA366703570.